The following is an entry in ClinVar:

ClinVar aggregate classification (germline): Likely pathogenic (1 of 4 stars; one submission).

Conditions:
OTX2-related disorder. Also called: OTX2-related disorders; OTX2-related condition.

Submission:

PreventionGenetics, part of Exact Sciences
Classification: Likely pathogenic for OTX2-related condition. Last evaluated: 2023-03-17. Review status: criteria provided, single submitter. Criteria: ACMG Guidelines, 2015. Collection method: clinical testing. Allele origin: germline.
Comment: The OTX2 c.106_107dupCG variant is predicted to result in a frameshift and premature protein termination (p.Lys37Glyfs*15). To our knowledge, this variant has not been reported in the literature or in a large population database, indicating this variant is rare. Frameshift variants in OTX2 are expected to be pathogenic, and therefore we interpret c.106_107dup (p.Lys37Glyfs*15) as likely pathogenic.

NM_021728.4(OTX2):c.130_131dup (p.Lys45fs)

Gene: OTX2 (orthodenticle homeobox 2; minus strand). Cytogenetic location: 14q22.3.
Variant type: Duplication.
Coding change: c.130_131dup on transcript NM_021728.4 (MANE Select); coding-DNA positions 130 to 131, 2 bases duplicated (CG; older notation c.130_131dupCG).
Protein change: p.Lys45fs; shifts the reading frame from lysine 45.
Molecular consequence: frameshift variant.
Genome position (GRCh38, 1-based): chr14:56,804,330-56,804,331, CG duplicated on the plus strand (CG on the coding strand, the reverse complement: OTX2 is on the minus strand). VCF-style (leftmost placement, unchanged base first): chr14-56804329-C-CCG. GRCh37 (hg19) VCF-style: chr14-57271047-C-CCG.
Other names: c.106_107dup, p.Lys37fs (NM_001270523.2, NM_001270524.2, NM_172337.3); c.130_131dup, p.Lys45fs (NM_001270525.2); short protein forms K37fs, K45fs.
Identifiers: ClinVar variation 2633417 (VCV002633417.1), dbSNP rs2503908217, ClinGen allele CA2695199823.